The following is an entry in ClinVar:

NM_153676.4(USH1C):c.2458G>A (p.Ala820Thr)

Gene: USH1C (USH1 protein network component harmonin; minus strand). Cytogenetic location: 11p15.1.
Variant type: single nucleotide variant.
Coding change: c.2458G>A on transcript NM_153676.4 (MANE Select); coding-DNA position 2458, G replaced by A.
Protein change: p.Ala820Thr; replaces alanine 820 with threonine.
Molecular consequence: missense variant. On other transcripts: non-coding transcript variant (1).
Genome position (GRCh38, 1-based): chr11:17,498,194, C>T on the plus strand (G>A on the coding strand, the complement: USH1C is on the minus strand). VCF-style: chr11-17498194-C-T. GRCh37 (hg19) VCF-style: chr11-17519741-C-T.
Other names: c.1501G>A, p.Ala501Thr (NM_001297764.2); c.1558G>A, p.Ala520Thr (NM_005709.4); short protein forms A520T, A820T, A501T.
Identifiers: ClinVar variation 48004 (VCV000048004.13), dbSNP rs397517878, ClinGen allele CA142350.

ClinVar aggregate classification (germline): Uncertain significance. Review status: criteria provided, multiple submitters, no conflicts (2 of 4 stars). 6 submissions from 6 submitters: Uncertain significance (5). 1 of the submissions does not count toward it. Last evaluated 2024-10-07.

Conditions:
Inborn genetic diseases. Identifiers: MedGen C0950123, MeSH D030342.
Usher syndrome type 1C. Also called: USHER SYNDROME, TYPE I, ACADIAN VARIETY. Identifiers: Orphanet 231169, Orphanet 886, MedGen C1848604, MONDO:0010171, OMIM 276904.
Autosomal recessive nonsyndromic hearing loss 18A. Also called: DEAFNESS, AUTOSOMAL RECESSIVE 18; Deafness, autosomal recessive 18A. Identifiers: Orphanet 90636, MedGen C1865870, MONDO:0011192, OMIM 602092.

Allele frequency attached by ClinVar (database versions not stated): ExAC 0.00001; gnomAD 0.00001; gnomAD exomes 0.00001; TOPMed 0.00003.
gnomAD v4.1: 11 of 1,613,970 alleles (0.00068%); highest among the groups gnomAD compares: South Asian, 0.0066%; no homozygotes.

Submissions (6):

Blueprint Genetics
Classification: Uncertain significance. Last evaluated: 2024-10-07. Review status: criteria provided, single submitter. Criteria: ACMG Guidelines, 2015. Collection method: clinical testing. Allele origin: germline.

Ambry Genetics
Classification: Uncertain significance for Inborn genetic diseases. Last evaluated: 2024-03-28. Review status: criteria provided, single submitter. Criteria: Ambry Variant Classification Scheme 2023. Collection method: clinical testing. Allele origin: germline.

GeneDx
Classification: Uncertain significance. Last evaluated: 2022-06-01. Review status: criteria provided, single submitter. Criteria: GeneDx Variant Classification Process June 2021. Collection method: clinical testing. Allele origin: germline. Affected: yes.
Comment: In silico analysis supports that this missense variant does not alter protein structure/function; Has not been previously published as pathogenic or benign to our knowledge

Labcorp Genetics (formerly Invitae), Labcorp
Classification: Uncertain significance. Last evaluated: 2021-09-17. Review status: criteria provided, single submitter. Criteria: Invitae Variant Classification Sherloc (09022015). Collection method: clinical testing. Allele origin: germline.
Comment: This sequence change replaces alanine with threonine at codon 520 of the USH1C protein (p.Ala520Thr). The alanine residue is moderately conserved and there is a small physicochemical difference between alanine and threonine. This variant is present in population databases (rs397517878, ExAC 0.006%). This variant has not been reported in the literature in individuals with USH1C-related conditions. ClinVar contains an entry for this variant (Variation ID: 48004). Algorithms developed to predict the effect of missense changes on protein structure and function (SIFT, PolyPhen-2, Align-GVGD) all suggest that this variant is likely to be tolerated, but these predictions have not been confirmed by published functional studies and their clinical significance is uncertain. In summary, the available evidence is currently insufficient to determine the role of this variant in disease. Therefore, it has been classified as a Variant of Uncertain Significance.

Laboratory for Molecular Medicine, Mass General Brigham Personalized Medicine
Classification: Uncertain significance. Last evaluated: 2011-10-10. Review status: criteria provided, single submitter. Criteria: LMM Criteria. Collection method: clinical testing. Allele origin: germline. Observed: 1 variant allele.
Comment: Variant classified as Uncertain Significance - Favor Benign. The Ala820Thr varia nt in USH1C has not been reported in the literature nor previously identified by our laboratory. Computational analyses (biochemical amino acid properties, Poly Phen2, SIFT, AlignGVGD) do not provide strong support for pathogenicity. However , this information is not accurate enough to rule out pathogenicity. In the abse nce of additional information, such as identification of a second USH1C variant in this individual, control data, segregation studies or functional analysis, th e clinical significance of this variant cannot be determined at this time; howev er, we would lean towards a more likely benign role given the computational pred iction assessment.

Counsyl
Classification: Uncertain significance for Usher syndrome type 1C; Autosomal recessive nonsyndromic hearing loss 18A. Last evaluated: 2017-09-28. Review status: no assertion criteria provided. Collection method: clinical testing. Allele origin: unknown. Not counted in ClinVar's aggregate classification.